The following is an entry in ClinVar:

ClinVar aggregate classification (germline): Uncertain significance (1 of 4 stars; one submission).

Submission:

GeneDx
Classification: Uncertain significance. Last evaluated: 2026-06-11. Review status: criteria provided, single submitter. Criteria: GeneDx Variant Classification Process June 2021. Collection method: clinical testing. Allele origin: germline.
Comment: Not observed at significant frequency in large population cohorts (gnomAD); In silico analysis supports that this missense variant has a deleterious effect on protein structure/function; Has not been previously published as pathogenic or benign to our knowledge

NM_003922.4(HERC1):c.9200G>T (p.Gly3067Val)

Gene: HERC1 (HECT and RLD domain containing E3 ubiquitin protein ligase family member 1; minus strand). Cytogenetic location: 15q22.31.
Variant type: single nucleotide variant.
Coding change: c.9200G>T on transcript NM_003922.4 (MANE Select); coding-DNA position 9200, G replaced by T.
Protein change: p.Gly3067Val; replaces glycine 3067 with valine.
Molecular consequence: missense variant.
Genome position (GRCh38, 1-based): chr15:63,660,996, C>A on the plus strand (G>T on the coding strand, the complement: HERC1 is on the minus strand). VCF-style: chr15-63660996-C-A. GRCh37 (hg19) VCF-style: chr15-63953195-C-A.
Other names: short protein forms G3067V.
Identifiers: ClinVar variation 3252653 (VCV003252653.2), dbSNP rs867312993.